The following is an entry in ClinVar:

NM_001032283.3(TMPO):c.565+1671C>G

Gene: TMPO (thymopoietin; plus strand). Cytogenetic location: 12q23.1.
Variant type: single nucleotide variant.
Coding change: c.565+1671C>G on transcript NM_001032283.3 (MANE Select); 1671 bases into the intron after coding-DNA position 565, C replaced by G.
Molecular consequence: intron variant. On other transcripts: missense variant (1).
Genome position (GRCh38, 1-based): chr12:98,533,509, C>G. VCF-style: chr12-98533509-C-G. GRCh37 (hg19) VCF-style: chr12-98927287-C-G.
Other names: c.1252C>G, p.Gln418Glu (NM_003276.2); c.565+1671C>G (NM_001307975.2, NM_001032284.3); short protein forms Q418E.
Identifiers: ClinVar variation 2283621 (VCV002283621.3), dbSNP rs2548503816, ClinGen allele CA386152797.

ClinVar aggregate classification (germline): Uncertain significance (1 of 4 stars; one submission).

gnomAD v4.1: 2 of 1,614,110 alleles (0.00012%); no homozygotes.

Submission:

Ambry Genetics
Classification: Uncertain significance. Last evaluated: 2024-06-04. Review status: criteria provided, single submitter. Criteria: Ambry Variant Classification Scheme 2023. Collection method: clinical testing. Allele origin: germline.
Comment: The p.Q418E variant (also known as c.1252C>G), located in coding exon 4 of the TMPO gene, results from a C to G substitution at nucleotide position 1252. The glutamine at codon 418 is replaced by glutamic acid, an amino acid with highly similar properties. This amino acid position is conserved. In addition, this alteration is predicted to be tolerated by in silico analysis. Based on the available evidence, the clinical significance of this variant remains unclear.